The following is an entry in ClinVar:

ClinVar aggregate classification (germline): Uncertain significance. Review status: criteria provided, multiple submitters, no conflicts (2 of 4 stars). 2 submissions from 2 submitters: Uncertain significance (2). Last evaluated 2025-05-22.

Conditions:
Hereditary cancer-predisposing syndrome. Also called: Neoplastic Syndromes, Hereditary; Tumor predisposition; Hereditary neoplastic syndrome; Hereditary Cancer Syndrome. Identifiers: Orphanet 140162, MedGen C0027672, MeSH D009386, MONDO:0015356.

Allele frequency attached by ClinVar (database versions not stated): gnomAD exomes below 0.00001; TOPMed below 0.00001.
gnomAD v4.1: 1 of 1,614,126 alleles (0.000062%); highest among the groups gnomAD compares: African/African-American, 0.0013%; no homozygotes.

Submissions (2):

Ambry Genetics
Classification: Uncertain significance for Hereditary cancer-predisposing syndrome. Last evaluated: 2025-05-22. Review status: criteria provided, single submitter. Criteria: Ambry Variant Classification Scheme 2023. Collection method: clinical testing. Allele origin: germline.
Comment: The p.P193A variant (also known as c.577C>G), located in coding exon 1 of the HOXB13 gene, results from a C to G substitution at nucleotide position 577. The proline at codon 193 is replaced by alanine, an amino acid with highly similar properties. This amino acid position is conserved. In addition, this alteration is predicted to be tolerated by in silico analysis. Based on the available evidence, the clinical significance of this variant remains unclear.

Labcorp Genetics (formerly Invitae), Labcorp
Classification: Uncertain significance. Last evaluated: 2023-05-19. Review status: criteria provided, single submitter. Criteria: Invitae Variant Classification Sherloc (09022015). Collection method: clinical testing. Allele origin: germline.
Comment: In summary, the available evidence is currently insufficient to determine the role of this variant in disease. Therefore, it has been classified as a Variant of Uncertain Significance. Advanced modeling of protein sequence and biophysical properties (such as structural, functional, and spatial information, amino acid conservation, physicochemical variation, residue mobility, and thermodynamic stability) performed at Invitae indicates that this missense variant is not expected to disrupt HOXB13 protein function. ClinVar contains an entry for this variant (Variation ID: 1351303). This variant has not been reported in the literature in individuals affected with HOXB13-related conditions. This variant is present in population databases (no rsID available, gnomAD 0.007%). This sequence change replaces proline, which is neutral and non-polar, with alanine, which is neutral and non-polar, at codon 193 of the HOXB13 protein (p.Pro193Ala).

NM_006361.6(HOXB13):c.577C>G (p.Pro193Ala)

Gene: HOXB13 (homeobox B13; minus strand). Cytogenetic location: 17q21.32.
Variant type: single nucleotide variant.
Coding change: c.577C>G on transcript NM_006361.6 (MANE Select); coding-DNA position 577, C replaced by G.
Protein change: p.Pro193Ala; replaces proline 193 with alanine.
Molecular consequence: missense variant.
Genome position (GRCh38, 1-based): chr17:48,728,017, G>C on the plus strand (C>G on the coding strand, the complement: HOXB13 is on the minus strand). VCF-style: chr17-48728017-G-C. GRCh37 (hg19) VCF-style: chr17-46805379-G-C.
Other names: c.577C>G (NM_006361.5); short protein forms P193A.
Identifiers: ClinVar variation 1351303 (VCV001351303.9), dbSNP rs868133556, ClinGen allele CA400107146.